The following is an entry in ClinVar:

NM_001029896.2(WDR45):c.937G>A (p.Gly313Ser)

Gene: WDR45 (WD repeat domain 45; minus strand). Cytogenetic location: Xp11.23.
Variant type: single nucleotide variant.
Coding change: c.937G>A on transcript NM_001029896.2 (MANE Select); coding-DNA position 937, G replaced by A.
Protein change: p.Gly313Ser; replaces glycine 313 with serine.
Molecular consequence: missense variant.
Genome position (GRCh38, 1-based): chrX:49,075,172, C>T on the plus strand (G>A on the coding strand, the complement: WDR45 is on the minus strand). VCF-style: chrX-49075172-C-T. GRCh37 (hg19) VCF-style: chrX-48932831-C-T.
Other names: c.940G>A, p.Gly314Ser (NM_007075.4); short protein forms G313S, G314S.
Identifiers: ClinVar variation 1357712 (VCV001357712.6), dbSNP rs781865548, ClinGen allele CA10408450.

ClinVar aggregate classification (germline): Uncertain significance (1 of 4 stars; one submission).

Conditions:
Neurodegeneration with brain iron accumulation 5 (NBIA5). Also called: Beta-propeller protein-associated neurodegeneration; STATIC ENCEPHALOPATHY OF CHILDHOOD WITH NEURODEGENERATION IN ADULTHOOD. Identifiers: Orphanet 329284, MedGen C3550973, MONDO:0010476, OMIM 300894.

Allele frequency attached by ClinVar (database versions not stated): TOPMed below 0.00001; ExAC 0.00001; gnomAD 0.00001; gnomAD exomes 0.00001 and 0.00002.

Submission:

Labcorp Genetics (formerly Invitae), Labcorp
Classification: Uncertain significance for Neurodegeneration with brain iron accumulation 5. Last evaluated: 2025-02-03. Review status: criteria provided, single submitter. Criteria: Invitae Variant Classification Sherloc (09022015). Collection method: clinical testing. Allele origin: germline.
Comment: This sequence change replaces glycine, which is neutral and non-polar, with serine, which is neutral and polar, at codon 314 of the WDR45 protein (p.Gly314Ser). This variant is present in population databases (rs781865548, gnomAD 0.003%), including at least one homozygous and/or hemizygous individual. This variant has not been reported in the literature in individuals affected with WDR45-related conditions. ClinVar contains an entry for this variant (Variation ID: 1357712). Invitae Evidence Modeling of protein sequence and biophysical properties (such as structural, functional, and spatial information, amino acid conservation, physicochemical variation, residue mobility, and thermodynamic stability) indicates that this missense variant is not expected to disrupt WDR45 protein function with a negative predictive value of 80%. In summary, the available evidence is currently insufficient to determine the role of this variant in disease. Therefore, it has been classified as a Variant of Uncertain Significance.